The following is an entry in ClinVar:

ClinVar aggregate classification (germline): Uncertain significance (1 of 4 stars; one submission).

Conditions:
Hereditary cancer-predisposing syndrome. Also called: Neoplastic Syndromes, Hereditary; Tumor predisposition; Hereditary Cancer Syndrome; Hereditary neoplastic syndrome. Identifiers: Orphanet 140162, MedGen C0027672, MeSH D009386, MONDO:0015356.

Submission:

Ambry Genetics
Classification: Uncertain significance for Hereditary cancer-predisposing syndrome. Last evaluated: 2026-03-29. Review status: criteria provided, single submitter. Criteria: Ambry Variant Classification Scheme 2023. Collection method: clinical testing. Allele origin: germline.
Comment: The p.C146Y variant (also known as c.437G>A), located in coding exon 5 of the MRE11A gene, results from a G to A substitution at nucleotide position 437. The cysteine at codon 146 is replaced by tyrosine, an amino acid with highly dissimilar properties. This amino acid position is conserved. In addition, the in silico prediction for this alteration is inconclusive. Based on the available evidence, the clinical significance of this variant remains unclear.

NM_005591.4(MRE11):c.437G>A (p.Cys146Tyr)

Gene: MRE11 (MRE11 double strand break repair nuclease; minus strand). Cytogenetic location: 11q21.
Variant type: single nucleotide variant.
Coding change: c.437G>A on transcript NM_005591.4 (MANE Select); coding-DNA position 437, G replaced by A.
Protein change: p.Cys146Tyr; replaces cysteine 146 with tyrosine.
Molecular consequence: missense variant. On other transcripts: 5 prime UTR variant (3), intron variant (3).
Genome position (GRCh38, 1-based): chr11:94,478,842, C>T on the plus strand (G>A on the coding strand, the complement: MRE11 is on the minus strand). VCF-style: chr11-94478842-C-T. GRCh37 (hg19) VCF-style: chr11-94212008-C-T.
Other names: c.437G>A, p.Cys146Tyr (NM_001440477.1, NM_001440478.1, NM_001440480.1 and 18 more transcripts); c.362G>A, p.Cys121Tyr (NM_001440479.1, NM_001440471.1, NM_001440472.1); c.-32G>A (NM_001440485.1, NM_001440486.1, NM_001440487.1); c.314+7082G>A (NM_001440483.1, NM_001440484.1, NM_001440482.1); short protein forms C121Y, C146Y.
Identifiers: ClinVar variation 4860270 (VCV004860270.1).